The following is an entry in ClinVar:

ClinVar aggregate classification (germline): Conflicting classifications of pathogenicity. Review status: criteria provided, conflicting classifications (1 of 4 stars). 8 submissions from 7 submitters: Uncertain significance (6); Benign (1); Likely benign (1). Last evaluated 2026-07-16.

Conditions:
Cutis laxa. Identifiers: Orphanet 209, MedGen C0010495, MONDO:0016175, HP:0000973.
Macular degeneration, age-related, 3 (ARMD3). Identifiers: Orphanet 280598, MedGen C1837187, MONDO:0012145, OMIM 608895.

Allele frequency attached by ClinVar (database versions not stated): gnomAD exomes 0.00010 and 0.00037; ExAC 0.00014; TOPMed 0.00014; gnomAD 0.00017 and 0.00019.
gnomAD v4.1: 565 of 1,614,048 alleles (0.035%); highest among the groups gnomAD compares: Non-Finnish European, 0.044%; no homozygotes.

Submissions (8):

GeneDx
Classification: Uncertain significance. Last evaluated: 2026-07-16. Review status: criteria provided, single submitter. Criteria: GeneDx Variant Classification Process June 2021. Collection method: clinical testing. Allele origin: germline.
Comment: Has not been previously published as pathogenic or benign to our knowledge; In silico analysis suggests that this missense variant does not alter protein structure/function

CeGaT Center for Human Genetics Tuebingen
Classification: Uncertain significance. Last evaluated: 2026-06-01. Review status: criteria provided, single submitter. Criteria: CeGaT Center For Human Genetics Tuebingen Variant Classification Criteria Version 2. Collection method: clinical testing. Allele origin: germline. Affected: yes. Observed: 2 variant alleles.
Comment: FBLN5: PM2, BP4

Labcorp Genetics (formerly Invitae), Labcorp
Classification: Uncertain significance. Last evaluated: 2026-01-17. Review status: criteria provided, single submitter. Criteria: Invitae Variant Classification Sherloc (09022015). Collection method: clinical testing. Allele origin: germline.
Comment: This sequence change replaces arginine, which is basic and polar, with glutamine, which is neutral and polar, at codon 414 of the FBLN5 protein (p.Arg414Gln). This variant is present in population databases (rs142907552, gnomAD 0.02%). This variant has not been reported in the literature in individuals affected with FBLN5-related conditions. ClinVar contains an entry for this variant (Variation ID: 885290). Invitae Evidence Modeling of protein sequence and biophysical properties (such as structural, functional, and spatial information, amino acid conservation, physicochemical variation, residue mobility, and thermodynamic stability) indicates that this missense variant is not expected to disrupt FBLN5 protein function with a negative predictive value of 80%. In summary, the available evidence is currently insufficient to determine the role of this variant in disease. Therefore, it has been classified as a Variant of Uncertain Significance.

Women's Health and Genetics/Laboratory Corporation of America, LabCorp
Classification: Uncertain significance. Last evaluated: 2024-12-19. Review status: criteria provided, single submitter. Criteria: LabCorp Variant Classification Summary - May 2015. Collection method: clinical testing. Allele origin: germline.
Comment: Variant summary: FBLN5 c.1241G>A (p.Arg414Gln) results in a conservative amino acid change located in the Fibulin, C-terminal Ig-like domain (IPR055088) of the encoded protein sequence. Three of five in-silico tools predict a benign effect of the variant on protein function. The variant allele was found at a frequency of 9.9e-05 in 251394 control chromosomes. This frequency is not significantly higher than estimated for a pathogenic variant in FBLN5 causing Cutis laxa, autosomal recessive, type 1A (9.9e-05 vs 0.0011), allowing no conclusion about variant significance. To our knowledge, no occurrence of c.1241G>A in individuals affected with Cutis laxa, autosomal recessive, type 1A and no experimental evidence demonstrating its impact on protein function have been reported. ClinVar contains an entry for this variant (Variation ID: 885290). Based on the evidence outlined above, the variant was classified as uncertain significance.

Mayo Clinic Laboratories, Mayo Clinic
Classification: Likely benign. Last evaluated: 2024-11-12. Review status: criteria provided, single submitter. Criteria: ACMG Guidelines, 2015. Collection method: clinical testing. Allele origin: germline. Observed: 2 variant alleles.

Blueprint Genetics
Classification: Uncertain significance. Last evaluated: 2024-10-17. Review status: criteria provided, single submitter. Criteria: ACMG Guidelines, 2015. Collection method: clinical testing. Allele origin: germline.

Illumina Laboratory Services, Illumina
Classification: Uncertain significance for Macular degeneration, age-related, 3. Last evaluated: 2018-01-13. Review status: criteria provided, single submitter. Criteria: ICSL Variant Classification Criteria 13 December 2019. Collection method: clinical testing. Allele origin: germline.

Illumina Laboratory Services, Illumina
Classification: Benign for Cutis laxa. Last evaluated: 2018-01-13. Review status: criteria provided, single submitter. Criteria: ICSL Variant Classification Criteria 13 December 2019. Collection method: clinical testing. Allele origin: germline.
Comment: This variant was observed in the ICSL laboratory as part of a predisposition screen in an ostensibly healthy population. It had not been previously curated by ICSL or reported in the Human Gene Mutation Database (HGMD: prior to June 1st, 2018), and was therefore a candidate for classification through an automated scoring system. Utilizing variant allele frequency, disease prevalence and penetrance estimates, and inheritance mode, an automated score was calculated to assess if this variant is too frequent to cause the disease. Based on the score and internal cut-off values, a variant classified as benign is not then subjected to further curation. The score for this variant resulted in a classification of benign for this disease.

NM_006329.4(FBLN5):c.1241G>A (p.Arg414Gln)

Gene: FBLN5 (fibulin 5; minus strand). Cytogenetic location: 14q32.12.
Variant type: single nucleotide variant.
Coding change: c.1241G>A on transcript NM_006329.4 (MANE Select); coding-DNA position 1241, G replaced by A.
Protein change: p.Arg414Gln; replaces arginine 414 with glutamine.
Molecular consequence: missense variant. On other transcripts: 3 prime UTR variant (2).
Genome position (GRCh38, 1-based): chr14:91,870,330, C>T on the plus strand (G>A on the coding strand, the complement: FBLN5 is on the minus strand). VCF-style: chr14-91870330-C-T. GRCh37 (hg19) VCF-style: chr14-92336674-C-T.
Other names: p.Arg414Gln; c.1364G>A, p.Arg455Gln (NM_001384158.1); c.1292G>A, p.Arg431Gln (NM_001384159.1); c.*25G>A (NM_001384160.1, NM_001384161.1); c.1073G>A, p.Arg358Gln (NM_001384162.1); short protein forms R414Q, R358Q, R431Q, R455Q.
Identifiers: ClinVar variation 885290 (VCV000885290.36), dbSNP rs142907552, ClinGen allele CA7312575.